The following is an entry in ClinVar:

NM_138420.4(AHNAK2):c.8129G>A (p.Gly2710Asp)

Gene: AHNAK2 (AHNAK nucleoprotein 2; minus strand). Cytogenetic location: 14q32.33.
Variant type: single nucleotide variant.
Coding change: c.8129G>A on transcript NM_138420.4 (MANE Select); coding-DNA position 8129, G replaced by A.
Protein change: p.Gly2710Asp; replaces glycine 2710 with aspartic acid.
Molecular consequence: missense variant.
Genome position (GRCh38, 1-based): chr14:104,947,322, C>T on the plus strand (G>A on the coding strand, the complement: AHNAK2 is on the minus strand). VCF-style: chr14-104947322-C-T. GRCh37 (hg19) VCF-style: chr14-105413659-C-T.
Other names: c.7829G>A, p.Gly2610Asp (NM_001350929.2); short protein forms G2610D, G2710D.
Identifiers: ClinVar variation 2644709 (VCV002644709.24), dbSNP rs572748733, ClinGen allele CA7380230.

ClinVar aggregate classification (germline): Likely benign (1 of 4 stars; one submission).

Allele frequency attached by ClinVar (database versions not stated): TOPMed 0.00003; gnomAD 0.00008; 1000 Genomes Project 30x 0.00016; 1000 Genomes Project 0.00020; gnomAD exomes 0.00022; ExAC 0.00053.

Submission:

CeGaT Center for Human Genetics Tuebingen
Classification: Likely benign. Last evaluated: 2023-09-01. Review status: criteria provided, single submitter. Criteria: CeGaT Center For Human Genetics Tuebingen Variant Classification Criteria Version 2. Collection method: clinical testing. Allele origin: germline. Affected: yes. Observed: 1 variant allele.
Comment: AHNAK2: BP4, BS2